The following is an entry in ClinVar:

NM_005379.4(MYO1A):c.92G>A (p.Arg31His)

Gene: MYO1A (myosin IA; minus strand). Cytogenetic location: 12q13.3.
Variant type: single nucleotide variant.
Coding change: c.92G>A on transcript NM_005379.4 (MANE Select); coding-DNA position 92, G replaced by A.
Protein change: p.Arg31His; replaces arginine 31 with histidine.
Molecular consequence: missense variant.
Genome position (GRCh38, 1-based): chr12:57,048,232, C>T on the plus strand (G>A on the coding strand, the complement: MYO1A is on the minus strand). VCF-style: chr12-57048232-C-T. GRCh37 (hg19) VCF-style: chr12-57442016-C-T.
Other names: c.92G>A, p.Arg31His (NM_001256041.2); short protein forms R31H.
Identifiers: ClinVar variation 178458 (VCV000178458.10), dbSNP rs727504447, ClinGen allele CA182371.

ClinVar aggregate classification (germline): Uncertain significance. Review status: criteria provided, multiple submitters, no conflicts (2 of 4 stars). 3 submissions from 3 submitters: Uncertain significance (2). 1 of the submissions does not count toward it. Last evaluated 2015-01-22.

Conditions:
MYO1A-related disorder. Also called: MYO1A-related condition.

Allele frequency attached by ClinVar (database versions not stated): ExAC 0.00007; gnomAD exomes 0.00007 and 0.00011; gnomAD 0.00009 and 0.00011; TOPMed 0.00013.

Submissions (3):

Eurofins Ntd Llc (ga)
Classification: Uncertain significance. Last evaluated: 2015-01-22. Review status: criteria provided, single submitter. Criteria: EGL Classification Definitions 2015. Collection method: clinical testing. Allele origin: germline. Observed: 1 variant allele, 1 heterozygote.

Laboratory for Molecular Medicine, Mass General Brigham Personalized Medicine
Classification: Uncertain significance. Last evaluated: 2013-11-06. Review status: criteria provided, single submitter. Criteria: LMM Criteria. Collection method: clinical testing. Allele origin: germline. Observed: 1 variant allele.
Comment: The Arg31His variant in MYO1A has not been reported in individuals with hearing loss or in large population studies. Computational analyses (biochemical amino a cid properties, conservation, AlignGVGD, PolyPhen2, and SIFT) ) do not provide s trong support for or against an impact to the protein. In summary, additional da ta is needed to determine the clinical significance of this variant.

PreventionGenetics, part of Exact Sciences
Classification: Likely benign for MYO1A-related condition. Last evaluated: 2019-03-07. Review status: no assertion criteria provided. Collection method: clinical testing. Allele origin: germline. Not counted in ClinVar's aggregate classification.
Comment: This variant is classified as likely benign based on ACMG/AMP sequence variant interpretation guidelines (Richards et al. 2015 PMID: 25741868, with internal and published modifications).